The following is an entry in ClinVar:

NM_181332.3(NLGN4X):c.2110C>T (p.Arg704Cys)

Gene: NLGN4X (neuroligin 4 X-linked; minus strand). Cytogenetic location: Xp22.32.
Variant type: single nucleotide variant.
Coding change: c.2110C>T on transcript NM_181332.3 (MANE Select); coding-DNA position 2110, C replaced by T.
Protein change: p.Arg704Cys; replaces arginine 704 with cysteine.
Molecular consequence: missense variant.
Genome position (GRCh38, 1-based): chrX:5,893,158, G>A on the plus strand (C>T on the coding strand, the complement: NLGN4X is on the minus strand). VCF-style: chrX-5893158-G-A. GRCh37 (hg19) VCF-style: chrX-5811199-G-A.
Other names: c.2110C>T, p.Arg704Cys (NM_001282145.2, NM_001282146.2, NM_020742.4); short protein forms R704C.
Identifiers: ClinVar variation 3032160 (VCV003032160.3), dbSNP rs751945904, ClinGen allele CA10340928.

ClinVar aggregate classification (germline): Uncertain significance. Review status: criteria provided, single submitter (1 of 4 stars). 2 submissions from 2 submitters: Uncertain significance (1). 1 of the submissions does not count toward it. Last evaluated 2023-06-02.

Conditions:
NLGN4X-related disorder. Also called: NLGN4X-related condition.

Allele frequency attached by ClinVar (database versions not stated): TOPMed below 0.00001; ExAC 0.00001.
gnomAD v4.1: 21 of 1,211,677 alleles (0.0017%); highest among the groups gnomAD compares: Non-Finnish European, 0.0021%; no homozygotes.

Submissions (2):

Blueprint Genetics
Classification: Uncertain significance. Last evaluated: 2023-06-02. Review status: criteria provided, single submitter. Criteria: ACMG Guidelines, 2015. Collection method: clinical testing. Allele origin: germline.

PreventionGenetics, part of Exact Sciences
Classification: Uncertain significance for NLGN4X-related condition. Last evaluated: 2023-12-08. Review status: no assertion criteria provided. Collection method: clinical testing. Allele origin: germline. Not counted in ClinVar's aggregate classification.
Comment: The NLGN4X c.2110C>T variant is predicted to result in the amino acid substitution p.Arg704Cys. Functional studies show that this variant in NLGN4X completely eliminates T707 phosphorylation by protein kinase C and significantly impairs the normal function of neuroligin-4 in cell and mouse models (Bemben. 2015. PubMed ID: 25675530; Chanda. 2016. PubMed ID: 25778475; Etherton. 2011. PubMed ID: 21642956) This variant is reported in 0.0052% of alleles in individuals of South Asian descent in gnomAD, including in one hemizygous individual in the gnomAD v2.1.1 dataset, and 3 hemizygous individuals in the v4.0.0 dataset. Although we suspect that this variant may be pathogenic, at this time, the clinical significance of this variant is uncertain due to the absence of conclusive functional and genetic evidence.